The following is an entry in ClinVar:

ClinVar aggregate classification (germline): Uncertain significance (1 of 4 stars; one submission).

Conditions:
Fanconi anemia (FA). Also called: Fanconi's anemia. Identifiers: Orphanet 84, MedGen C0015625, MeSH D005199, MONDO:0019391.

Allele frequency attached by ClinVar (database versions not stated): gnomAD exomes below 0.00001; TOPMed below 0.00001; ExAC 0.00001.
gnomAD v4.1: 3 of 1,614,066 alleles (0.00019%); highest among the groups gnomAD compares: Non-Finnish European, 0.00025%; no homozygotes.

Submission:

Labcorp Genetics (formerly Invitae), Labcorp
Classification: Uncertain significance for Fanconi anemia. Last evaluated: 2022-03-14. Review status: criteria provided, single submitter. Criteria: Invitae Variant Classification Sherloc (09022015). Collection method: clinical testing. Allele origin: germline.
Comment: This sequence change replaces glycine, which is neutral and non-polar, with valine, which is neutral and non-polar, at codon 682 of the SLX4 protein (p.Gly682Val). This variant is present in population databases (rs765804056, gnomAD 0.0009%). This variant has not been reported in the literature in individuals affected with SLX4-related conditions. Algorithms developed to predict the effect of missense changes on protein structure and function are either unavailable or do not agree on the potential impact of this missense change (SIFT: "Tolerated"; PolyPhen-2: "Probably Damaging"; Align-GVGD: "Class C0"). In summary, the available evidence is currently insufficient to determine the role of this variant in disease. Therefore, it has been classified as a Variant of Uncertain Significance.

NM_032444.4(SLX4):c.2045G>T (p.Gly682Val)

Gene: SLX4 (SLX4 structure-specific endonuclease subunit; minus strand). Cytogenetic location: 16p13.3.
Variant type: single nucleotide variant.
Coding change: c.2045G>T on transcript NM_032444.4 (MANE Select); coding-DNA position 2045, G replaced by T.
Protein change: p.Gly682Val; replaces glycine 682 with valine.
Molecular consequence: missense variant.
Genome position (GRCh38, 1-based): chr16:3,594,568, C>A on the plus strand (G>T on the coding strand, the complement: SLX4 is on the minus strand). VCF-style: chr16-3594568-C-A. GRCh37 (hg19) VCF-style: chr16-3644569-C-A.
Other names: short protein forms G682V.
Identifiers: ClinVar variation 1390319 (VCV001390319.5), dbSNP rs765804056, ClinGen allele CA7866307.